The following is an entry in ClinVar:

NM_016216.4(DBR1):c.83C>G (p.Pro28Arg)

Genes: DBR1 (debranching RNA lariats 1; minus strand), LOC129937648 (ATAC-STARR-seq lymphoblastoid active region 20601; plus strand). Cytogenetic location: 3q22.3.
Variant type: single nucleotide variant.
Coding change: c.83C>G on transcript NM_016216.4 (MANE Select); coding-DNA position 83, C replaced by G.
Protein change: p.Pro28Arg; replaces proline 28 with arginine.
Molecular consequence: missense variant.
Genome position (GRCh38, 1-based): chr3:138,174,713, G>C on the plus strand (C>G on the coding strand, the complement: DBR1 is on the minus strand). VCF-style: chr3-138174713-G-C. GRCh37 (hg19) VCF-style: chr3-137893555-G-C.
Other names: c.83C>G (NM_016216.3); short protein forms P28R.
Identifiers: ClinVar variation 2118986 (VCV002118986.5), dbSNP rs987960042, ClinGen allele CA83886043.

ClinVar aggregate classification (germline): Uncertain significance. Review status: criteria provided, multiple submitters, no conflicts (2 of 4 stars). 2 submissions from 2 submitters: Uncertain significance (2). Last evaluated 2024-12-10.

Conditions:
Inborn genetic diseases. Identifiers: MedGen C0950123, MeSH D030342.

Allele frequency attached by ClinVar (database versions not stated): gnomAD 0.00001; TOPMed 0.00001; gnomAD exomes 0.00002.
gnomAD v4.1: 22 of 1,612,606 alleles (0.0014%); highest among the groups gnomAD compares: Non-Finnish European, 0.0019%; no homozygotes.

Submissions (2):

Ambry Genetics
Classification: Uncertain significance for Inborn genetic diseases. Last evaluated: 2024-12-10. Review status: criteria provided, single submitter. Criteria: Ambry Variant Classification Scheme 2023. Collection method: clinical testing. Allele origin: germline.

Labcorp Genetics (formerly Invitae), Labcorp
Classification: Uncertain significance. Last evaluated: 2022-03-28. Review status: criteria provided, single submitter. Criteria: Invitae Variant Classification Sherloc (09022015). Collection method: clinical testing. Allele origin: germline.
Comment: In summary, the available evidence is currently insufficient to determine the role of this variant in disease. Therefore, it has been classified as a Variant of Uncertain Significance. Algorithms developed to predict the effect of missense changes on protein structure and function (SIFT, PolyPhen-2, Align-GVGD) all suggest that this variant is likely to be tolerated. This variant has not been reported in the literature in individuals affected with DBR1-related conditions. This variant is present in population databases (no rsID available, gnomAD 0.007%). This sequence change replaces proline, which is neutral and non-polar, with arginine, which is basic and polar, at codon 28 of the DBR1 protein (p.Pro28Arg).